The following is an entry in ClinVar:

NM_000631.5(NCF4):c.508A>G (p.Met170Val)

Gene: NCF4 (neutrophil cytosolic factor 4; plus strand). Cytogenetic location: 22q12.3.
Variant type: single nucleotide variant.
Coding change: c.508A>G on transcript NM_000631.5 (MANE Select); coding-DNA position 508, A replaced by G.
Protein change: p.Met170Val; replaces methionine 170 with valine.
Molecular consequence: missense variant.
Genome position (GRCh38, 1-based): chr22:36,871,689, A>G. VCF-style: chr22-36871689-A-G. GRCh37 (hg19) VCF-style: chr22-37267731-A-G.
Other names: c.508A>G, p.Met170Val (NM_013416.4); short protein forms M170V.
Identifiers: ClinVar variation 1918657 (VCV001918657.5), dbSNP rs1384992952, ClinGen allele CA411385090.

ClinVar aggregate classification (germline): Uncertain significance (1 of 4 stars; one submission).

Conditions:
Granulomatous disease, chronic, autosomal recessive, cytochrome b-positive, type 3. Also called: GRANULOMATOUS DISEASE, CHRONIC, DUE TO NCF4 DEFICIENCY; CGD, AUTOSOMAL RECESSIVE CYTOCHROME b-POSITIVE, TYPE III; GRANULOMATOUS DISEASE, CHRONIC, AUTOSOMAL RECESSIVE, 3; Granulomatous disease, chronic, autosomal recessive, cytochrome b-positive, type III. Identifiers: Orphanet 379, MedGen C3151409, MONDO:0013507, OMIM 613960.

Allele frequency attached by ClinVar (database versions not stated): gnomAD exomes below 0.00001; TOPMed below 0.00001.

Submission:

Labcorp Genetics (formerly Invitae), Labcorp
Classification: Uncertain significance for Granulomatous disease, chronic, autosomal recessive, cytochrome b-positive, type 3. Last evaluated: 2023-07-17. Review status: criteria provided, single submitter. Criteria: Invitae Variant Classification Sherloc (09022015). Collection method: clinical testing. Allele origin: germline.
Comment: This variant has not been reported in the literature in individuals affected with NCF4-related conditions. This sequence change replaces methionine, which is neutral and non-polar, with valine, which is neutral and non-polar, at codon 170 of the NCF4 protein (p.Met170Val). The frequency data for this variant in the population databases is considered unreliable, as metrics indicate poor data quality at this position in the gnomAD database. ClinVar contains an entry for this variant (Variation ID: 1918657). An algorithm developed to predict the effect of missense changes on protein structure and function (PolyPhen-2) suggests that this variant is likely to be tolerated. In summary, the available evidence is currently insufficient to determine the role of this variant in disease. Therefore, it has been classified as a Variant of Uncertain Significance.